The following is an entry in ClinVar:

NM_021076.4(NEFH):c.1475AGG[1] (p.Glu493del)

Gene: NEFH (neurofilament heavy chain; plus strand). Cytogenetic location: 22q12.2.
Variant type: Microsatellite.
Coding change: c.1475AGG[1] on transcript NM_021076.4 (MANE Select); one copy of the 3-base unit AGG starting at c.1475; the reference has two copies in a row; one copy, 3 bases deleted.
Protein change: p.Glu493del; deletes glutamic acid 493.
Genome position (GRCh38, 1-based): chr22:29,489,118-29,489,120, AGG deleted; deleting any 3 consecutive bases within chr22:29,489,114-29,489,120 gives the same sequence; the position shown is the placement nearest the transcript's 3' end. VCF-style (leftmost placement, unchanged base first): chr22-29489113-AGAG-A. GRCh37 (hg19) VCF-style: chr22-29885102-AGAG-A.
Other names: short protein forms E493del.
Identifiers: ClinVar variation 3693578 (VCV003693578.2).

ClinVar aggregate classification (germline): Uncertain significance (1 of 4 stars; one submission).

Submission:

Labcorp Genetics (formerly Invitae), Labcorp
Classification: Uncertain significance. Last evaluated: 2024-10-14. Review status: criteria provided, single submitter. Criteria: Invitae Variant Classification Sherloc (09022015). Collection method: clinical testing. Allele origin: germline.
Comment: This variant, c.1478_1480del, results in the deletion of 1 amino acid(s) of the NEFH protein (p.Glu493del), but otherwise preserves the integrity of the reading frame. This variant is not present in population databases (gnomAD no frequency). This variant has not been reported in the literature in individuals affected with NEFH-related conditions. Experimental studies and prediction algorithms are not available or were not evaluated, and the functional significance of this variant is currently unknown. In summary, the available evidence is currently insufficient to determine the role of this variant in disease. Therefore, it has been classified as a Variant of Uncertain Significance.